The following is an entry in ClinVar:

ClinVar aggregate classification (germline): Uncertain significance (1 of 4 stars; one submission).

Conditions:
Spinocerebellar ataxia 48. Identifiers: Orphanet 631103, MedGen C4748158, MONDO:0032526, OMIM 618093.

Submission:

3billion
Classification: Uncertain significance for Spinocerebellar ataxia 48. Last evaluated: 2024-12-06. Review status: criteria provided, single submitter. Criteria: ACMG Guidelines, 2015. Collection method: clinical testing. Allele origin: germline. Affected: yes.
Comment: The variant is not observed in the gnomAD v4.1.0 dataset. Predicted Consequence/Location: Missense variant Different missense changes at the same codon have been reported as of uncertain significance (ClinVar ID: VCV002504526). Therefore, this variant is classified as VUS according to the recommendation of ACMG/AMP guideline.

NM_005861.4(STUB1):c.634G>C (p.Asp212His)

Genes: JMJD8 (jumonji domain containing 8; minus strand), STUB1 (STIP1 homology and U-box containing protein 1; plus strand). Cytogenetic location: 16p13.3.
Variant type: single nucleotide variant.
Coding change: c.634G>C on transcript NM_005861.4 (MANE Select); coding-DNA position 634, G replaced by C.
Protein change: p.Asp212His; replaces aspartic acid 212 with histidine.
Molecular consequence: missense variant. On other transcripts: 3 prime UTR variant (5), non-coding transcript variant (3).
Genome position (GRCh38, 1-based): chr16:682,041, G>C. VCF-style: chr16-682041-G-C. GRCh37 (hg19) VCF-style: chr16-732041-G-C.
Other names: c.418G>C, p.Asp140His (NM_001293197.2); c.*753C>G (NM_001005920.4, NM_001323919.3, NM_001323920.3); c.*787C>G (NM_001323918.3, NM_001323922.3); short protein forms D140H, D212H.
Identifiers: ClinVar variation 4293240 (VCV004293240.1).